The following is an entry in ClinVar:

ClinVar aggregate classification (germline): Likely benign (1 of 4 stars; one submission).

Submission:

CeGaT Center for Human Genetics Tuebingen
Classification: Likely benign. Last evaluated: 2025-04-01. Review status: criteria provided, single submitter. Criteria: CeGaT Center For Human Genetics Tuebingen Variant Classification Criteria Version 2. Collection method: clinical testing. Allele origin: germline. Affected: yes. Observed: 1 variant allele.
Comment: ENSG00000285646: BS2

NC_000001.11:g.11908141C>T

Variant type: single nucleotide variant.
Genome position: GRCh38 VCF-style: chr1-11908141-C-T. GRCh37 (hg19) VCF-style: chr1-11968198-C-T.
Identifiers: ClinVar variation 3898498 (VCV003898498.7).